The following is an entry in ClinVar:

ClinVar aggregate classification (germline): Conflicting classifications of pathogenicity. Review status: criteria provided, conflicting classifications (1 of 4 stars). 3 submissions from 2 submitters: Uncertain significance (1); Benign (1); Likely benign (1). Last evaluated 2021-09-27.

Conditions:
Autosomal recessive nonsyndromic hearing loss 37. Identifiers: Orphanet 90636, MedGen C1843028, MONDO:0011912, OMIM 607821.
Autosomal dominant nonsyndromic hearing loss 22. Also called: Autosomal dominant nonsyndromic deafness 22; DFNA 22. Identifiers: Orphanet 228012, MedGen C2931767, MONDO:0011660, OMIM 606346.

Allele frequency attached by ClinVar (database versions not stated): gnomAD 0.00332 and 0.00356; TOPMed 0.00415; 1000 Genomes Project 0.00539; 1000 Genomes Project 30x 0.00593.

Submissions (3):

GeneDx
Classification: Likely benign. Last evaluated: 2021-09-27. Review status: criteria provided, single submitter. Criteria: GeneDx Variant Classification Process June 2021. Collection method: clinical testing. Allele origin: germline. Affected: yes.

Illumina Laboratory Services, Illumina
Classification: Uncertain significance for Autosomal recessive nonsyndromic hearing loss 37. Last evaluated: 2018-01-12. Review status: criteria provided, single submitter. Criteria: ICSL Variant Classification Criteria 13 December 2019. Collection method: clinical testing. Allele origin: germline.

Illumina Laboratory Services, Illumina
Classification: Benign for Autosomal dominant nonsyndromic hearing loss 22. Last evaluated: 2018-01-12. Review status: criteria provided, single submitter. Criteria: ICSL Variant Classification Criteria 13 December 2019. Collection method: clinical testing. Allele origin: germline.
Comment: This variant was observed in the ICSL laboratory as part of a predisposition screen in an ostensibly healthy population. It had not been previously curated by ICSL or reported in the Human Gene Mutation Database (HGMD: prior to June 1st, 2018), and was therefore a candidate for classification through an automated scoring system. Utilizing variant allele frequency, disease prevalence and penetrance estimates, and inheritance mode, an automated score was calculated to assess if this variant is too frequent to cause the disease. Based on the score and internal cut-off values, a variant classified as benign is not then subjected to further curation. The score for this variant resulted in a classification of benign for this disease.

NM_004999.4(MYO6):c.*1607C>T

Gene: MYO6 (myosin VI; plus strand). Cytogenetic location: 6q14.1.
Variant type: single nucleotide variant.
Coding change: c.*1607C>T on transcript NM_004999.4 (MANE Select); 1607 bases downstream of the stop codon, C replaced by T.
Molecular consequence: 3 prime UTR variant. On other transcripts: non-coding transcript variant (1).
Genome position (GRCh38, 1-based): chr6:75,916,619, C>T. VCF-style: chr6-75916619-C-T. GRCh37 (hg19) VCF-style: chr6-76626336-C-T.
Other names: c.*1607C>T (NM_001300899.2, NM_001368136.1, NM_001368137.1 and 3 more transcripts).
Identifiers: ClinVar variation 358018 (VCV000358018.6), dbSNP rs77813459, ClinGen allele CA10622709.